The following is an entry in ClinVar:

NM_001128159.2(VPS53):c.-459G>T

Gene: VPS53 (VPS53 subunit of GARP complex; minus strand). Cytogenetic location: 17p13.3.
Variant type: single nucleotide variant.
Coding change: c.-459G>T on transcript NM_001128159.2; 459 bases upstream of the start codon, G replaced by T.
Genome position (GRCh38, 1-based): chr17:715,168, C>A on the plus strand (G>T on the coding strand, the complement: VPS53 is on the minus strand). VCF-style: chr17-715168-C-A. GRCh37 (hg19) VCF-style: chr17-618408-C-A.
Identifiers: ClinVar variation 671876 (VCV000671876.3), dbSNP rs2456274, ClinGen allele CA14414591.

ClinVar aggregate classification (germline): Benign (1 of 4 stars; one submission).

Allele frequency attached by ClinVar (database versions not stated): 1000 Genomes Project 30x 0.32886; 1000 Genomes Project 0.33486; gnomAD 0.26446 and 0.27527; TOPMed 0.26984.

Submission:

GeneDx
Classification: Benign. Last evaluated: 2018-06-19. Review status: criteria provided, single submitter. Criteria: GeneDx Variant Classification (06012015). Collection method: clinical testing. Allele origin: germline. Affected: yes.
Comment: This variant is considered likely benign or benign based on one or more of the following criteria: it is a conservative change, it occurs at a poorly conserved position in the protein, it is predicted to be benign by multiple in silico algorithms, and/or has population frequency not consistent with disease.